The following is an entry in ClinVar:

NM_001278512.2(AP3B2):c.98C>T (p.Ser33Phe)

Genes: AP3B2 (adaptor related protein complex 3 subunit beta 2; minus strand), LOC130057772 (ATAC-STARR-seq lymphoblastoid silent region 6752; plus strand). Cytogenetic location: 15q25.2.
Variant type: single nucleotide variant.
Coding change: c.98C>T on transcript NM_001278512.2 (MANE Select); coding-DNA position 98, C replaced by T.
Protein change: p.Ser33Phe; replaces serine 33 with phenylalanine.
Molecular consequence: missense variant.
Genome position (GRCh38, 1-based): chr15:82,709,609, G>A on the plus strand (C>T on the coding strand, the complement: AP3B2 is on the minus strand). VCF-style: chr15-82709609-G-A. GRCh37 (hg19) VCF-style: chr15-83378361-G-A.
Other names: c.98C>T, p.Ser33Phe (NM_001278511.2, NM_001348440.2, NM_004644.5); short protein forms S33F.
Identifiers: ClinVar variation 1369791 (VCV001369791.4), dbSNP rs753249898, ClinGen allele CA7700616.

ClinVar aggregate classification (germline): Uncertain significance (1 of 4 stars; one submission).

Allele frequency attached by ClinVar (database versions not stated): gnomAD 0.00001; gnomAD exomes 0.00001 and 0.00007; TOPMed 0.00002; ExAC 0.00009.
gnomAD v4.1: 16 of 1,512,394 alleles (0.0011%); highest among the groups gnomAD compares: Admixed American, 0.019%; no homozygotes.

Submission:

Labcorp Genetics (formerly Invitae), Labcorp
Classification: Uncertain significance. Last evaluated: 2025-02-24. Review status: criteria provided, single submitter. Criteria: Invitae Variant Classification Sherloc (09022015). Collection method: clinical testing. Allele origin: germline.
Comment: This sequence change replaces serine, which is neutral and polar, with phenylalanine, which is neutral and non-polar, at codon 33 of the AP3B2 protein (p.Ser33Phe). This variant is present in population databases (rs753249898, gnomAD 0.03%). This variant has not been reported in the literature in individuals affected with AP3B2-related conditions. ClinVar contains an entry for this variant (Variation ID: 1369791). An algorithm developed to predict the effect of missense changes on protein structure and function (PolyPhen-2) suggests that this variant is likely to be disruptive. In summary, the available evidence is currently insufficient to determine the role of this variant in disease. Therefore, it has been classified as a Variant of Uncertain Significance.